The following is an entry in ClinVar:

ClinVar aggregate classification (germline): Likely pathogenic (1 of 4 stars; one submission).

Submission:

GeneDx
Classification: Likely pathogenic. Last evaluated: 2024-03-01. Review status: criteria provided, single submitter. Criteria: GeneDx Variant Classification Process June 2021. Collection method: clinical testing. Allele origin: germline. Affected: yes.
Comment: Intronic variant directly or indirectly altering the +5 splice site in a gene for which loss of function is a known mechanism of disease, and splice predictors support a deleterious effect; Not observed at significant frequency in large population cohorts (gnomAD); Has not been previously published as pathogenic or benign to our knowledge

NM_005898.5(CAPRIN1):c.688+5G>A

Gene: CAPRIN1 (cell cycle associated protein 1; plus strand). Cytogenetic location: 11p13.
Variant type: single nucleotide variant.
Coding change: c.688+5G>A on transcript NM_005898.5 (MANE Select); 5 bases into the intron after coding-DNA position 688, G replaced by A.
Molecular consequence: intron variant.
Genome position (GRCh38, 1-based): chr11:34,076,647, G>A. VCF-style: chr11-34076647-G-A. GRCh37 (hg19) VCF-style: chr11-34098194-G-A.
Other names: c.688+5G>A (NM_203364.3).
Identifiers: ClinVar variation 3373614 (VCV003373614.1).